The following is an entry in ClinVar:

ClinVar aggregate classification (germline): Benign/Likely benign. Review status: criteria provided, multiple submitters, no conflicts (2 of 4 stars). 6 submissions from 6 submitters: Benign (4); Likely benign (1). 1 of the submissions does not count toward it. Last evaluated 2026-09-01.

Conditions:
CARMIL2-related disorder. Also called: CARMIL2-related condition.

Allele frequency attached by ClinVar (database versions not stated): 1000 Genomes Project 0.00479; 1000 Genomes Project 30x 0.00484; ESP Exome Variant Server 0.00817; TOPMed 0.00904; gnomAD exomes 0.01022 and 0.01117; gnomAD 0.01044 and 0.01085; ExAC 0.01066.

Submissions (6):

CeGaT Center for Human Genetics Tuebingen
Classification: Benign. Last evaluated: 2026-09-01. Review status: criteria provided, single submitter. Criteria: CeGaT Center For Human Genetics Tuebingen Variant Classification Criteria Version 2. Collection method: clinical testing. Allele origin: germline. Affected: yes. Observed: 23 variant alleles.
Comment: CARMIL2: BS1, BS2

Labcorp Genetics (formerly Invitae), Labcorp
Classification: Benign. Last evaluated: 2026-02-02. Review status: criteria provided, single submitter. Criteria: Invitae Variant Classification Sherloc (09022015). Collection method: clinical testing. Allele origin: germline.

Blueprint Genetics
Classification: Likely benign. Last evaluated: 2024-11-26. Review status: criteria provided, single submitter. Criteria: ACMG Guidelines, 2015. Collection method: clinical testing. Allele origin: germline.

Mayo Clinic Laboratories, Mayo Clinic
Classification: Benign. Last evaluated: 2022-09-06. Review status: criteria provided, single submitter. Criteria: ACMG Guidelines, 2015. Collection method: clinical testing. Allele origin: germline. Observed: 4 variant alleles.

Breakthrough Genomics
Classification: Benign. Review status: criteria provided, single submitter. Criteria: ACMG Guidelines, 2015. Collection method: not provided. Allele origin: germline. Inheritance: Autosomal recessive inheritance. Affected: yes.

PreventionGenetics, part of Exact Sciences
Classification: Benign for CARMIL2-related condition. Last evaluated: 2019-07-15. Review status: no assertion criteria provided. Collection method: clinical testing. Allele origin: germline. Not counted in ClinVar's aggregate classification.
Comment: This variant is classified as benign based on ACMG/AMP sequence variant interpretation guidelines (Richards et al. 2015 PMID: 25741868, with internal and published modifications).

NM_001013838.3(CARMIL2):c.1846A>G (p.Ile616Val)

Gene: CARMIL2 (capping protein regulator and myosin 1 linker 2; plus strand). Cytogenetic location: 16q22.1.
Variant type: single nucleotide variant.
Coding change: c.1846A>G on transcript NM_001013838.3 (MANE Select); coding-DNA position 1846, A replaced by G.
Protein change: p.Ile616Val; replaces isoleucine 616 with valine.
Molecular consequence: missense variant.
Genome position (GRCh38, 1-based): chr16:67,649,546, A>G. VCF-style: chr16-67649546-A-G. GRCh37 (hg19) VCF-style: chr16-67683449-A-G.
Other names: p.Ile616Val; c.1846A>G (NM_001013838.1); c.1738A>G, p.Ile580Val (NM_001317026.3); short protein forms I580V, I616V.
Identifiers: ClinVar variation 1167736 (VCV001167736.43), dbSNP rs118040419, ClinGen allele CA8113578.